The following is an entry in ClinVar:

ClinVar aggregate classification (germline): Uncertain significance (1 of 4 stars; one submission).

Allele frequency attached by ClinVar (database versions not stated): gnomAD exomes 0.00001 and 0.00004; TOPMed 0.00001.
gnomAD v4.1: 9 of 1,594,400 alleles (0.00056%); highest among the groups gnomAD compares: Admixed American, 0.014%; no homozygotes.

Submission:

Labcorp Genetics (formerly Invitae), Labcorp
Classification: Uncertain significance. Last evaluated: 2021-10-12. Review status: criteria provided, single submitter. Criteria: Invitae Variant Classification Sherloc (09022015). Collection method: clinical testing. Allele origin: germline.
Comment: This sequence change replaces glutamic acid with lysine at codon 487 of the DGAT1 protein (p.Glu487Lys). The glutamic acid residue is weakly conserved and there is a small physicochemical difference between glutamic acid and lysine. This variant is not present in population databases (ExAC no frequency). This variant has not been reported in the literature in individuals affected with DGAT1-related conditions. Algorithms developed to predict the effect of missense changes on protein structure and function (SIFT, PolyPhen-2, Align-GVGD) all suggest that this variant is likely to be tolerated. In summary, the available evidence is currently insufficient to determine the role of this variant in disease. Therefore, it has been classified as a Variant of Uncertain Significance.

NM_012079.6(DGAT1):c.1459G>A (p.Glu487Lys)

Gene: DGAT1 (diacylglycerol O-acyltransferase 1; minus strand). Cytogenetic location: 8q24.3.
Variant type: single nucleotide variant.
Coding change: c.1459G>A on transcript NM_012079.6 (MANE Select); coding-DNA position 1459, G replaced by A.
Protein change: p.Glu487Lys; replaces glutamic acid 487 with lysine.
Molecular consequence: missense variant.
Genome position (GRCh38, 1-based): chr8:144,316,562, C>T on the plus strand (G>A on the coding strand, the complement: DGAT1 is on the minus strand). VCF-style: chr8-144316562-C-T. GRCh37 (hg19) VCF-style: chr8-145540225-C-T.
Other names: short protein forms E487K.
Identifiers: ClinVar variation 1400812 (VCV001400812.3), dbSNP rs868957042, ClinGen allele CA372607505.